The following is an entry in ClinVar:

NM_004168.4(SDHA):c.149C>A (p.Ser50Tyr)

Gene: SDHA (succinate dehydrogenase complex flavoprotein subunit A; plus strand). Cytogenetic location: 5p15.33.
Variant type: single nucleotide variant.
Coding change: c.149C>A on transcript NM_004168.4 (MANE Select); coding-DNA position 149, C replaced by A.
Protein change: p.Ser50Tyr; replaces serine 50 with tyrosine.
Molecular consequence: missense variant.
Genome position (GRCh38, 1-based): chr5:223,567, C>A. VCF-style: chr5-223567-C-A. GRCh37 (hg19) VCF-style: chr5-223682-C-A.
Other names: c.149C>A, p.Ser50Tyr (NM_001294332.2, NM_001330758.2); short protein forms S50Y.
Identifiers: ClinVar variation 819388 (VCV000819388.17), dbSNP rs369321221, ClinGen allele CA3172723.

ClinVar aggregate classification (germline): Uncertain significance. Review status: criteria provided, multiple submitters, no conflicts (2 of 4 stars). 4 submissions from 4 submitters: Uncertain significance (4). Last evaluated 2026-01-01.

Conditions:
SDHA-related disorder. Also called: SDHA-related disorders; SDHA-related condition.
Pheochromocytoma/paraganglioma syndrome 5. Also called: Paragangliomas 5; SDHA-Related Hereditary Paraganglioma-Pheochromocytoma Syndrome. Identifiers: Orphanet 29072, MedGen C3279992, MONDO:0013602, OMIM 614165.
Mitochondrial complex II deficiency, nuclear type 1. Also called: SUCCINATE CoQ REDUCTASE DEFICIENCY. Identifiers: Orphanet 3208, MedGen C5700310, MONDO:0100294, OMIM 252011.
Hereditary cancer-predisposing syndrome. Also called: Neoplastic Syndromes, Hereditary; Hereditary Cancer Syndrome; Tumor predisposition; Hereditary neoplastic syndrome. Identifiers: Orphanet 140162, MedGen C0027672, MeSH D009386, MONDO:0015356.
Dilated cardiomyopathy 1GG (CMD1GG). Identifiers: Orphanet 154, MedGen C3150898, MONDO:0013339, OMIM 613642.

Allele frequency attached by ClinVar (database versions not stated): ExAC 0.00001; TOPMed 0.00002; ESP Exome Variant Server 0.00008.

Submissions (4):

Labcorp Genetics (formerly Invitae), Labcorp
Classification: Uncertain significance for Pheochromocytoma/paraganglioma syndrome 5; Mitochondrial complex II deficiency, nuclear type 1. Last evaluated: 2026-01-01. Review status: criteria provided, single submitter. Criteria: Invitae Variant Classification Sherloc (09022015). Collection method: clinical testing. Allele origin: germline.
Comment: This sequence change replaces serine, which is neutral and polar, with tyrosine, which is neutral and polar, at codon 50 of the SDHA protein (p.Ser50Tyr). This variant is not present in population databases (gnomAD no frequency). This variant has not been reported in the literature in individuals affected with SDHA-related conditions. ClinVar contains an entry for this variant (Variation ID: 819388). An algorithm developed to predict the effect of missense changes on protein structure and function (PolyPhen-2) suggests that this variant is likely to be tolerated. In summary, the available evidence is currently insufficient to determine the role of this variant in disease. Therefore, it has been classified as a Variant of Uncertain Significance.

PreventionGenetics, part of Exact Sciences
Classification: Uncertain significance for SDHA-related condition. Last evaluated: 2025-12-26. Review status: criteria provided, single submitter. Criteria: ACMG Guidelines, 2015. Collection method: clinical testing. Allele origin: germline.
Comment: The SDHA c.149C>A variant is predicted to result in the amino acid substitution p.Ser50Tyr. To our knowledge, this variant has not been reported in the literature or in a large population database (gnomAD), indicating this variant is rare. This variant is interpreted as uncertain in ClinVar (Variation ID: 819388). At this time, the clinical significance of this variant is uncertain due to the absence of conclusive functional and genetic evidence.

Ambry Genetics
Classification: Uncertain significance for Hereditary cancer-predisposing syndrome. Last evaluated: 2024-05-23. Review status: criteria provided, single submitter. Criteria: Ambry Variant Classification Scheme 2023. Collection method: clinical testing. Allele origin: germline.
Comment: The p.S50Y variant (also known as c.149C>A), located in coding exon 2 of the SDHA gene, results from a C to A substitution at nucleotide position 149. The serine at codon 50 is replaced by tyrosine, an amino acid with dissimilar properties. This amino acid position is not well conserved in available vertebrate species. In addition, this alteration is predicted to be tolerated by in silico analysis. Since supporting evidence is limited at this time, the clinical significance of this alteration remains unclear.

Baylor Genetics
Classification: Uncertain significance for Dilated cardiomyopathy 1GG. Last evaluated: 2023-12-05. Review status: criteria provided, single submitter. Criteria: ACMG Guidelines, 2015. Collection method: clinical testing. Allele origin: unknown.